The following is an entry in ClinVar:

NM_006218.4(PIK3CA):c.547A>C (p.Asn183His)

Gene: PIK3CA (phosphatidylinositol-4,5-bisphosphate 3-kinase catalytic subunit alpha; plus strand). Cytogenetic location: 3q26.32.
Variant type: single nucleotide variant.
Coding change: c.547A>C on transcript NM_006218.4 (MANE Select); coding-DNA position 547, A replaced by C.
Protein change: p.Asn183His; replaces asparagine 183 with histidine.
Molecular consequence: missense variant.
Genome position (GRCh38, 1-based): chr3:179,199,884, A>C. VCF-style: chr3-179199884-A-C. GRCh37 (hg19) VCF-style: chr3-178917672-A-C.
Other names: short protein forms N183H.
Identifiers: ClinVar variation 4627608 (VCV004627608.1).

ClinVar aggregate classification (germline): Uncertain significance (1 of 4 stars; one submission).

Conditions:
Inborn genetic diseases. Identifiers: MedGen C0950123, MeSH D030342.

Submission:

Ambry Genetics
Classification: Uncertain significance for Inborn genetic diseases. Last evaluated: 2025-09-21. Review status: criteria provided, single submitter. Criteria: Ambry Variant Classification Scheme 2023. Collection method: clinical testing. Allele origin: germline.
Comment: The p.N183H variant (also known as c.547A>C), located in coding exon 2 of the PIK3CA gene, results from an A to C substitution at nucleotide position 547. The asparagine at codon 183 is replaced by histidine, an amino acid with similar properties. This amino acid position is conserved. In addition, this alteration is predicted to be tolerated by in silico analysis. Based on the available evidence, the clinical significance of this variant remains unclear.